The following is an entry in ClinVar:

ClinVar aggregate classification (germline): Pathogenic (1 of 4 stars; one submission).

Conditions:
Congenital adrenal hypoplasia, X-linked (AHC). Also called: Isolated X-Linked Adrenal Hypoplasia Congenita; X-linked AHC; X-Linked Adrenal Hypoplasia Congenita; ADRENAL HYPOPLASIA, CONGENITAL, WITH HYPOGONADOTROPIC HYPOGONADISM. Identifiers: Orphanet 95702, MedGen C0342482, MONDO:0010264, OMIM 300200. Disease mechanism: loss of function.
46,XY sex reversal 2. Also called: NR0B1-Related 46,XY CGD; NR0B1-related 46,XY complete gonadal dysgenesis; Dosage-sensitive sex reversal; 46,XY SEX REVERSAL, DAX1-RELATED; 46XY sex reversal 2, dosage-sensitive. Identifiers: MedGen C1848296, MONDO:0010226, OMIM 300018.

Submission:

Labcorp Genetics (formerly Invitae), Labcorp
Classification: Pathogenic for Congenital adrenal hypoplasia, X-linked; 46,XY sex reversal 2. Last evaluated: 2025-11-21. Review status: criteria provided, single submitter. Criteria: Invitae Variant Classification Sherloc (09022015). Collection method: clinical testing. Allele origin: germline.
Comment: This sequence change creates a premature translational stop signal (p.Tyr378*) in the NR0B1 gene. While this is not anticipated to result in nonsense mediated decay, it is expected to disrupt the last 93 amino acid(s) of the NR0B1 protein. This variant is not present in population databases (gnomAD no frequency). This premature translational stop signal has been observed in individual(s) with NR0B1-related conditions (PMID: 26523528). Algorithms developed to predict the effect of sequence changes on RNA splicing suggest that this variant may disrupt the consensus splice site. This variant disrupts a region of the NR0B1 protein in which other variant(s) (p.Leu381Pro) have been determined to be pathogenic (PMID: 31263616). This suggests that this is a clinically significant region of the protein, and that variants that disrupt it are likely to be disease-causing. For these reasons, this variant has been classified as Pathogenic.

Literature cited by the submitters: PubMed 26523528; PubMed 31263616.

NM_000475.5(NR0B1):c.1134C>A (p.Tyr378Ter)

Gene: NR0B1 (nuclear receptor subfamily 0 group B member 1; minus strand). Cytogenetic location: Xp21.2.
Variant type: single nucleotide variant.
Coding change: c.1134C>A on transcript NM_000475.5 (MANE Select); coding-DNA position 1134, C replaced by A.
Protein change: p.Tyr378Ter; replaces tyrosine 378 with a stop codon.
Molecular consequence: nonsense.
Genome position (GRCh38, 1-based): chrX:30,308,230, G>T on the plus strand (C>A on the coding strand, the complement: NR0B1 is on the minus strand). VCF-style: chrX-30308230-G-T. GRCh37 (hg19) VCF-style: chrX-30326347-G-T.
Other names: short protein forms Y378*.
Identifiers: ClinVar variation 4786765 (VCV004786765.1).
Genomic context (GRCh38, chrX:30,308,230, plus strand): 5'-CCGGCGCCTAAGGCCAGTACCCTTACCCGGGTTAAAGAGCACGGTCCCCTTGAGGTAGGC[G>T]TACTCCTTGGTACTGATGTTCAGACTCCAGCATTTGGAAAGAAAGCACTTGATGGCTTGG-3'